The following is an entry in ClinVar:

NM_016247.4(IMPG2):c.1991A>C (p.His664Pro)

Gene: IMPG2 (interphotoreceptor matrix proteoglycan 2; minus strand). Cytogenetic location: 3q12.3.
Variant type: single nucleotide variant.
Coding change: c.1991A>C on transcript NM_016247.4 (MANE Select); coding-DNA position 1991, A replaced by C.
Protein change: p.His664Pro; replaces histidine 664 with proline.
Molecular consequence: missense variant.
Genome position (GRCh38, 1-based): chr3:101,244,340, T>G on the plus strand (A>C on the coding strand, the complement: IMPG2 is on the minus strand). VCF-style: chr3-101244340-T-G. GRCh37 (hg19) VCF-style: chr3-100963184-T-G.
Other names: short protein forms H664P.
Identifiers: ClinVar variation 939184 (VCV000939184.7), dbSNP rs1411924896, ClinGen allele CA353859183.

ClinVar aggregate classification (germline): Uncertain significance (1 of 4 stars; one submission).

Allele frequency attached by ClinVar (database versions not stated): gnomAD 0.00001; TOPMed 0.00001.
gnomAD v4.1: 1 of 1,613,692 alleles (0.000062%); highest among the groups gnomAD compares: Non-Finnish European, 0.000085%; no homozygotes.

Submission:

Labcorp Genetics (formerly Invitae), Labcorp
Classification: Uncertain significance. Last evaluated: 2022-03-09. Review status: criteria provided, single submitter. Criteria: Invitae Variant Classification Sherloc (09022015). Collection method: clinical testing. Allele origin: germline.
Comment: This sequence change replaces histidine, which is basic and polar, with proline, which is neutral and non-polar, at codon 664 of the IMPG2 protein (p.His664Pro). This variant is present in population databases (no rsID available, gnomAD 0.007%). This variant has not been reported in the literature in individuals affected with IMPG2-related conditions. ClinVar contains an entry for this variant (Variation ID: 939184). Algorithms developed to predict the effect of missense changes on protein structure and function output the following: SIFT: "Tolerated"; PolyPhen-2: "Benign"; Align-GVGD: "Class C0". The proline amino acid residue is found in multiple mammalian species, which suggests that this missense change does not adversely affect protein function. In summary, the available evidence is currently insufficient to determine the role of this variant in disease. Therefore, it has been classified as a Variant of Uncertain Significance.